The following is an entry in ClinVar:

ClinVar aggregate classification (germline): Uncertain significance. Review status: criteria provided, multiple submitters, no conflicts (2 of 4 stars). 3 submissions from 3 submitters: Uncertain significance (3). Last evaluated 2026-01-13.

Conditions:
Hereditary cancer-predisposing syndrome. Also called: Hereditary neoplastic syndrome; Neoplastic Syndromes, Hereditary; Tumor predisposition; Hereditary Cancer Syndrome. Identifiers: Orphanet 140162, MedGen C0027672, MeSH D009386, MONDO:0015356.

Allele frequency attached by ClinVar (database versions not stated): gnomAD exomes below 0.00001 and 0.00001; ExAC 0.00001; gnomAD 0.00001; TOPMed 0.00001.
gnomAD v4.1: 13 of 1,613,754 alleles (0.00081%); highest among the groups gnomAD compares: African/African-American, 0.004%; no homozygotes.

Submissions (3):

Labcorp Genetics (formerly Invitae), Labcorp
Classification: Uncertain significance. Last evaluated: 2026-01-13. Review status: criteria provided, single submitter. Criteria: Invitae Variant Classification Sherloc (09022015). Collection method: clinical testing. Allele origin: germline.
Comment: This sequence change replaces valine, which is neutral and non-polar, with alanine, which is neutral and non-polar, at codon 116 of the POLE protein (p.Val116Ala). This variant is present in population databases (rs771744496, gnomAD 0.007%). This variant has not been reported in the literature in individuals affected with POLE-related conditions. ClinVar contains an entry for this variant (Variation ID: 246366). Invitae Evidence Modeling of protein sequence and biophysical properties (such as structural, functional, and spatial information, amino acid conservation, physicochemical variation, residue mobility, and thermodynamic stability) indicates that this missense variant is not expected to disrupt POLE protein function with a negative predictive value of 80%. In summary, the available evidence is currently insufficient to determine the role of this variant in disease. Therefore, it has been classified as a Variant of Uncertain Significance.

Ambry Genetics
Classification: Uncertain significance for Hereditary cancer-predisposing syndrome. Last evaluated: 2025-06-10. Review status: criteria provided, single submitter. Criteria: Ambry Variant Classification Scheme 2023. Collection method: clinical testing. Allele origin: germline.

GeneDx
Classification: Uncertain significance. Last evaluated: 2025-04-16. Review status: criteria provided, single submitter. Criteria: GeneDx Variant Classification Process June 2021. Collection method: clinical testing. Allele origin: germline. Affected: yes.
Comment: Not observed at a significant frequency in large population cohorts (gnomAD); In silico analysis supports that this missense variant has a deleterious effect on protein structure/function; Has not been previously published as pathogenic or benign to our knowledge

NM_006231.4(POLE):c.347T>C (p.Val116Ala)

Gene: POLE (DNA polymerase epsilon, catalytic subunit; minus strand). Cytogenetic location: 12q24.33.
Variant type: single nucleotide variant.
Coding change: c.347T>C on transcript NM_006231.4 (MANE Select); coding-DNA position 347, T replaced by C.
Protein change: p.Val116Ala; replaces valine 116 with alanine.
Molecular consequence: missense variant.
Genome position (GRCh38, 1-based): chr12:132,680,030, A>G on the plus strand (T>C on the coding strand, the complement: POLE is on the minus strand). VCF-style: chr12-132680030-A-G. GRCh37 (hg19) VCF-style: chr12-133256616-A-G.
Other names: short protein forms V116A.
Identifiers: ClinVar variation 246366 (VCV000246366.14), dbSNP rs771744496, ClinGen allele CA6894344.